The following is an entry in ClinVar:

ClinVar aggregate classification (germline): Uncertain significance (1 of 4 stars; one submission).

Conditions:
Chuvash polycythemia. Also called: POLYCYTHEMIA, VHL-DEPENDENT. Identifiers: Orphanet 238557, MedGen C1837915, MONDO:0009892, OMIM 263400.
Von Hippel-Lindau syndrome (VHLS). Also called: VHL syndrome; von Hippel–Lindau syndrome; Von Hippel-Lindau. Identifiers: Orphanet 892, MedGen C0019562, MONDO:0008667, OMIM 193300. Disease mechanism: loss of function.

Submission:

Labcorp Genetics (formerly Invitae), Labcorp
Classification: Uncertain significance for Von Hippel-Lindau syndrome; Chuvash polycythemia. Last evaluated: 2022-01-14. Review status: criteria provided, single submitter. Criteria: Invitae Variant Classification Sherloc (09022015). Collection method: clinical testing. Allele origin: germline.
Comment: In summary, the available evidence is currently insufficient to determine the role of this variant in disease. Therefore, it has been classified as a Variant of Uncertain Significance. Advanced modeling of protein sequence and biophysical properties (such as structural, functional, and spatial information, amino acid conservation, physicochemical variation, residue mobility, and thermodynamic stability) performed at Invitae indicates that this missense variant is not expected to disrupt VHL protein function. ClinVar contains an entry for this variant (Variation ID: 864281). This variant has not been reported in the literature in individuals affected with VHL-related conditions. This variant is not present in population databases (gnomAD no frequency). This sequence change replaces glycine, which is neutral and non-polar, with arginine, which is basic and polar, at codon 212 of the VHL protein (p.Gly212Arg).

NM_000551.4(VHL):c.634G>A (p.Gly212Arg)

Genes: VHL (von Hippel-Lindau tumor suppressor; plus strand), LOC107303340 (3p25 von Hippel-Lindau tumor suppressor, E3 ubiquitin protein ligase Alu-mediated recombination region; plus strand). Cytogenetic location: 3p25.3.
Variant type: single nucleotide variant.
Coding change: c.634G>A on transcript NM_000551.4 (MANE Select); coding-DNA position 634, G replaced by A.
Protein change: p.Gly212Arg; replaces glycine 212 with arginine.
Molecular consequence: missense variant. On other transcripts: 3 prime UTR variant (1).
Genome position (GRCh38, 1-based): chr3:10,149,957, G>A. VCF-style: chr3-10149957-G-A. GRCh37 (hg19) VCF-style: chr3-10191641-G-A.
Other names: c.*188G>A (NM_001354723.2); c.511G>A, p.Gly171Arg (NM_198156.3); short protein forms G171R, G212R.
Identifiers: ClinVar variation 864281 (VCV000864281.10), dbSNP rs1553620389, ClinGen allele CA351756704.